The following is an entry in ClinVar:

NM_001277115.2(DNAH11):c.11534G>T (p.Arg3845Leu)

Gene: DNAH11 (dynein axonemal heavy chain 11; plus strand). Cytogenetic location: 7p15.3.
Variant type: single nucleotide variant.
Coding change: c.11534G>T on transcript NM_001277115.2 (MANE Select); coding-DNA position 11534, G replaced by T.
Protein change: p.Arg3845Leu; replaces arginine 3845 with leucine.
Molecular consequence: missense variant.
Genome position (GRCh38, 1-based): chr7:21,866,507, G>T. VCF-style: chr7-21866507-G-T. GRCh37 (hg19) VCF-style: chr7-21906125-G-T.
Other names: c.11555G>T (NM_003777.3); short protein forms R3845L.
Identifiers: ClinVar variation 1030333 (VCV001030333.9), dbSNP rs371438607, ClinGen allele CA366961902.

ClinVar aggregate classification (germline): Conflicting classifications of pathogenicity. Review status: criteria provided, conflicting classifications (1 of 4 stars). 4 submissions from 3 submitters: Uncertain significance (2); Likely benign (1). 1 of the submissions does not count toward it. Last evaluated 2025-11-08.

Conditions:
Primary ciliary dyskinesia 7. Also called: CILIARY DYSKINESIA, PRIMARY, 7, WITH OR WITHOUT SITUS INVERSUS. Identifiers: Orphanet 244, MedGen C2678473, MONDO:0012748, OMIM 611884.
Primary ciliary dyskinesia. Also called: Ciliary dyskinesia. Identifiers: Orphanet 244, MedGen C0008780, MONDO:0016575, HP:0012265.

Allele frequency attached by ClinVar (database versions not stated): TOPMed 0.00001.
gnomAD v4.1: 5 of 1,613,188 alleles (0.00031%); highest among the groups gnomAD compares: Admixed American, 0.005%; no homozygotes.

Submissions (4):

Labcorp Genetics (formerly Invitae), Labcorp
Classification: Likely benign for Primary ciliary dyskinesia. Last evaluated: 2025-11-08. Review status: criteria provided, single submitter. Criteria: Invitae Variant Classification Sherloc (09022015). Collection method: clinical testing. Allele origin: germline.

Baylor Genetics
Classification: Uncertain significance for Primary ciliary dyskinesia 7. Last evaluated: 2019-01-14. Review status: criteria provided, single submitter. Criteria: ACMG Guidelines, 2015. Collection method: clinical testing. Allele origin: unknown. Affected: yes.
Comment: This variant was determined to be of uncertain significance according to ACMG Guidelines, 2015 [PMID:25741868].

Ambry Genetics
Classification: Uncertain significance for Primary ciliary dyskinesia. Last evaluated: 2014-09-12. Review status: criteria provided, single submitter. Criteria: Ambry Variant Classification Scheme 2023. Collection method: clinical testing. Allele origin: germline.
Comment: The p.R3852L variant (also known as c.11555G>T), located in coding exon 71 of the DNAH11 gene, results from a G to T substitution at nucleotide position 11555. The arginine at codon 3852 is replaced by leucine, an amino acid with dissimilar properties. This variant was not reported in population based cohorts in the following databases: Database of Single Nucleotide Polymorphisms (dbSNP), NHLBI Exome Sequencing Project (ESP), and 1000 Genomes Project. In the ESP, this variant was not observed in 5978 samples (11956 alleles) with coverage at this position. This amino acid position is well conserved in available vertebrate species. In addition, this alteration is predicted to be probably damaging but tolerated by PolyPhen and SIFT in silico analyses, respectively. Since supporting evidence is limited at this time, the clinical significance of this variant remains unclear.

Ambry Genetics
Classification: Uncertain significance for Primary ciliary dyskinesia. Last evaluated: 2022-03-11. Review status: flagged submission. Criteria: Ambry Variant Classification Scheme 2023. Collection method: clinical testing. Allele origin: germline. Not counted in ClinVar's aggregate classification.
ClinVar note: Reason: This record appears to be redundant with a more recent record from the same submitter.
ClinVar note: Notes: SCV003730766 appears to be redundant with SCV002622254.